The following is an entry in ClinVar:

NM_000459.5(TEK):c.1543C>A (p.Leu515Ile)

Gene: TEK (TEK receptor tyrosine kinase; plus strand). Cytogenetic location: 9p21.2.
Variant type: single nucleotide variant.
Coding change: c.1543C>A on transcript NM_000459.5 (MANE Select); coding-DNA position 1543, C replaced by A.
Protein change: p.Leu515Ile; replaces leucine 515 with isoleucine.
Molecular consequence: missense variant.
Genome position (GRCh38, 1-based): chr9:27,192,542, C>A. VCF-style: chr9-27192542-C-A. GRCh37 (hg19) VCF-style: chr9-27192540-C-A.
Other names: p.Leu515Ile; c.1414C>A, p.Leu472Ile (NM_001290077.2, NM_001375476.1); c.1102C>A, p.Leu368Ile (NM_001290078.2); c.1543C>A, p.Leu515Ile (NM_001375475.1); short protein forms L472I, L368I, L515I.
Identifiers: ClinVar variation 4541421 (VCV004541421.1).

ClinVar aggregate classification (germline): Uncertain significance (1 of 4 stars; one submission).

Submission:

Mayo Clinic Laboratories, Mayo Clinic
Classification: Uncertain significance. Last evaluated: 2025-01-18. Review status: criteria provided, single submitter. Criteria: ACMG Guidelines, 2015. Collection method: clinical testing. Allele origin: germline. Observed: 1 variant allele.
Comment: BP4, PM2_supporting